The following is an entry in ClinVar:

ClinVar aggregate classification (germline): Likely pathogenic (1 of 4 stars; one submission).

Submissions (2):

Athena Diagnostics
Classification: Likely pathogenic. Last evaluated: 2019-02-06. Review status: criteria provided, single submitter. Criteria: Athena Diagnostics Criteria. Collection method: clinical testing. Allele origin: germline.
Comment: The variant disrupts a canonical splice site, and is therefore predicted to result in the loss of a functional protein. Not found in the total gnomAD dataset, and the data is high quality (0/199828 chr).

Dr. Peter K. Rogan Lab, Western University
No classification provided (evidence only). Condition: Thyroid cancer, nonmedullary, 1. Review status: no classification provided. Collection method: in vitro. Allele origin: not applicable. Functional consequence: retained intron. Not counted in ClinVar's aggregate classification.

NM_001111125.3(IQSEC2):c.2749+2T>C

Gene: IQSEC2 (IQ motif and Sec7 domain ArfGEF 2; minus strand). Cytogenetic location: Xp11.22.
Variant type: single nucleotide variant.
Coding change: c.2749+2T>C on transcript NM_001111125.3 (MANE Select); the canonical splice donor site of the intron after coding-DNA position 2749, T replaced by C.
Molecular consequence: splice donor variant.
Genome position (GRCh38, 1-based): chrX:53,246,967, A>G on the plus strand (T>C on the coding strand, the complement: IQSEC2 is on the minus strand). VCF-style: chrX-53246967-A-G. GRCh37 (hg19) VCF-style: chrX-53276149-A-G.
Other names: NC_000023.10:g.53276149A>G; c.2749+2T>C (NM_001410736.1); c.2134+2T>C (NM_015075.2).
Identifiers: ClinVar variation 804929 (VCV000804929.2), dbSNP rs1602277471, ClinGen allele CA413154978.